The following is an entry in ClinVar:

NM_000094.4(COL7A1):c.5910C>T (p.Phe1970=)

Gene: COL7A1 (collagen type VII alpha 1 chain; minus strand). Cytogenetic location: 3p21.31.
Variant type: single nucleotide variant.
Coding change: c.5910C>T on transcript NM_000094.4 (MANE Select); coding-DNA position 5910, C replaced by T.
Protein change: p.Phe1970=; no amino-acid change (phenylalanine 1970 retained).
Molecular consequence: synonymous variant.
Genome position (GRCh38, 1-based): chr3:48,575,695, G>A on the plus strand (C>T on the coding strand, the complement: COL7A1 is on the minus strand). VCF-style: chr3-48575695-G-A. GRCh37 (hg19) VCF-style: chr3-48613128-G-A.
Identifiers: ClinVar variation 198648 (VCV000198648.46), dbSNP rs141290741, ClinGen allele CA203541.

ClinVar aggregate classification (germline): Benign/Likely benign. Review status: criteria provided, multiple submitters, no conflicts (2 of 4 stars). 8 submissions from 8 submitters: Benign (3); Likely benign (3). 2 of the submissions do not count toward it. Last evaluated 2026-06-01.

Conditions:
Epidermolysis bullosa dystrophica. Also called: Dystrophic epidermolysis bullosa; Dystrophic epidermolysis bullosa, Hallopeau-Siemens type (formerly). Identifiers: Orphanet 303, MedGen C0079294, MONDO:0006543.

Allele frequency attached by ClinVar (database versions not stated): 1000 Genomes Project 30x 0.00172; 1000 Genomes Project 0.00180; gnomAD 0.00211 and 0.00212; TOPMed 0.00214; ExAC 0.00228; ESP Exome Variant Server 0.00231; gnomAD exomes 0.00235.
gnomAD v4.1: 4,406 of 1,613,742 alleles (0.27%); highest among the groups gnomAD compares: Middle Eastern, 1.6%; 11 homozygotes.

Submissions (8):

CeGaT Center for Human Genetics Tuebingen
Classification: Likely benign. Last evaluated: 2026-06-01. Review status: criteria provided, single submitter. Criteria: CeGaT Center For Human Genetics Tuebingen Variant Classification Criteria Version 2. Collection method: clinical testing. Allele origin: germline. Affected: yes. Observed: 5 variant alleles.
Comment: COL7A1: BP4, BP7

Labcorp Genetics (formerly Invitae), Labcorp
Classification: Benign. Last evaluated: 2026-02-02. Review status: criteria provided, single submitter. Criteria: Invitae Variant Classification Sherloc (09022015). Collection method: clinical testing. Allele origin: germline.

Illumina Laboratory Services, Illumina
Classification: Benign for Dystrophic epidermolysis bullosa. Last evaluated: 2017-05-03. Review status: criteria provided, single submitter. Criteria: ICSL Variant Classification Criteria 13 December 2019. Collection method: clinical testing. Allele origin: germline.
Comment: This variant was observed as part of a predisposition screen in an ostensibly healthy population. A literature search was performed for the gene, cDNA change, and amino acid change (where applicable). No publications were found based on this search. Allele frequency data from public databases was too high to be consistent with this variant causing disease. Therefore, this variant is classified as benign.

GeneDx
Classification: Benign. Last evaluated: 2015-03-25. Review status: criteria provided, single submitter. Criteria: GeneDx Variant Classification (06012015). Collection method: clinical testing. Allele origin: germline. Affected: yes.
Comment: This variant is considered likely benign or benign based on one or more of the following criteria: it is a conservative change, it occurs at a poorly conserved position in the protein, it is predicted to be benign by multiple in silico algorithms, and/or has population frequency not consistent with disease.

Eurofins Ntd Llc (ga)
Classification: Likely benign. Last evaluated: 2015-02-24. Review status: criteria provided, single submitter. Criteria: EGL Classification Definitions 2015. Collection method: clinical testing. Allele origin: germline. Observed: 1 variant allele, 1 heterozygote.

Breakthrough Genomics
Classification: Likely benign. Review status: criteria provided, single submitter. Criteria: ACMG Guidelines, 2015. Collection method: not provided. Allele origin: germline. Inheritance: Autosomal recessive inheritance. Affected: yes.

Genome Diagnostics Laboratory, Amsterdam University Medical Center
Classification: Likely benign. Review status: no assertion criteria provided. Collection method: clinical testing. Allele origin: germline. Affected: yes. Study: VKGL Data-share Consensus. Not counted in ClinVar's aggregate classification.

Joint Genome Diagnostic Labs from Nijmegen and Maastricht, Radboudumc and MUMC+
Classification: Benign. Review status: no assertion criteria provided. Collection method: clinical testing. Allele origin: germline. Affected: yes. Study: VKGL Data-share Consensus. Not counted in ClinVar's aggregate classification.